The following is an entry in ClinVar:

NM_002524.5(NRAS):c.80A>C (p.His27Pro)

Gene: NRAS (NRAS proto-oncogene, GTPase; minus strand). Cytogenetic location: 1p13.2.
Variant type: single nucleotide variant.
Coding change: c.80A>C on transcript NM_002524.5 (MANE Select); coding-DNA position 80, A replaced by C.
Protein change: p.His27Pro; replaces histidine 27 with proline.
Molecular consequence: missense variant.
Genome position (GRCh38, 1-based): chr1:114,716,081, T>G on the plus strand (A>C on the coding strand, the complement: NRAS is on the minus strand). VCF-style: chr1-114716081-T-G. GRCh37 (hg19) VCF-style: chr1-115258702-T-G.
Other names: short protein forms H27P.
Identifiers: ClinVar variation 4756112 (VCV004756112.1).

ClinVar aggregate classification (oncogenicity): Oncogenic (1 of 4 stars; one submission).

Conditions:
Acute myeloid leukemia (AML). Also called: Acute myeloid leukemia, adult; AML adult; Acute non-lymphocytic leukemia; Acute granulocytic leukemia; Leukemia, acute myeloid, somatic; Leukemia, acute myelogenous, somatic. Identifiers: Orphanet 519, MedGen C0023467, MeSH D015470, MONDO:0018874, OMIM 601626, HP:0004808. Disease mechanism: Constitutively activated FLT3.

Submission:

Microbiology and Molecular Biology Lab, Lahore College for Women University
Classification: Oncogenic for Acute myeloid leukemia. Last evaluated: 2025-10-12. Review status: criteria provided, single submitter. Criteria: Assertion Criteria 1.0. Collection method: research. Allele origin: somatic. Affected: yes.
Comment: NRAS Transcript: NM_002524.5 cDNA Change: c.80T>G/A>C Protein Change: p.H27P Mutation Type: Missense synonymous mutation in exon 2, within the GTPase domain and responsible to encode P-loop Genomic Location (GRCh38): chr1:114,716,081A>C Oncogenicity: Oncogenic NRAS c.80T>G/A>C (p.H27P) is an oncogenic, somatic mutation which is not previously reported in databases such as COSMIC and ClinVar. No approved NRAS-targeted therapies currently exist for this mutation. It may influence prognosis and inform eligibility for clinical trials targeting downstream pathways.